The following is an entry in ClinVar:

NM_004329.3(BMPR1A):c.1208G>A (p.Gly403Asp)

Gene: BMPR1A (bone morphogenetic protein receptor type 1A; plus strand). Cytogenetic location: 10q23.2.
Variant type: single nucleotide variant.
Coding change: c.1208G>A on transcript NM_004329.3 (MANE Select); coding-DNA position 1208, G replaced by A.
Protein change: p.Gly403Asp; replaces glycine 403 with aspartic acid.
Molecular consequence: missense variant. On other transcripts: non-coding transcript variant (3).
Genome position (GRCh38, 1-based): chr10:86,921,561, G>A. VCF-style: chr10-86921561-G-A. GRCh37 (hg19) VCF-style: chr10-88681318-G-A.
Other names: c.1283G>A, p.Gly428Asp (NM_001406559.1); c.1256G>A, p.Gly419Asp (NM_001406560.1); c.1208G>A, p.Gly403Asp (NM_001406561.1, NM_001406562.1, NM_001406563.1 and 19 more transcripts); c.1202G>A, p.Gly401Asp (NM_001406583.1); c.1124G>A, p.Gly375Asp (NM_001406584.1, NM_001406585.1, NM_001406586.1 and 2 more transcripts); c.866G>A, p.Gly289Asp (NM_001406589.1); short protein forms G375D, G419D, G289D, G428D, G401D, G403D.
Identifiers: ClinVar variation 4993091 (VCV004993091.1).
Genomic context (GRCh38, chr10:86,921,561, plus strand): 5'-TGGCTTTCTTTTGTTTCAGTGACACAAATGAAGTTGATGTGCCCTTGAATACCAGGGTGG[G>A]CACCAAACGCTACATGGCTCCCGAAGTGCTGGACGAAAGCCTGAACAAAAACCACTTCCA-3'
Protein context (NP_004320.2, residues 393-413): EVDVPLNTRV[Gly403Asp]TKRYMAPEVL

ClinVar aggregate classification (germline): Uncertain significance (1 of 4 stars; one submission).

Conditions:
BMPR1A-related disorder. Also called: BMPR1A-related condition.

Submission:

PreventionGenetics, part of Exact Sciences
Classification: Uncertain significance for BMPR1A-related condition. Last evaluated: 2026-09-12. Review status: criteria provided, single submitter. Criteria: ACMG Guidelines, 2015. Collection method: clinical testing. Allele origin: germline.
Comment: The BMPR1A c.1208G>A variant is predicted to result in the amino acid substitution p.Gly403Asp. To our knowledge, this variant has not been reported in the literature or in a large population database (gnomAD), indicating this variant is rare. At this time, the clinical significance of this variant is uncertain due to the absence of conclusive functional and genetic evidence.